The following is an entry in ClinVar:

NM_001451.3(FOXF1):c.1070A>T (p.His357Leu)

Gene: FOXF1 (forkhead box F1; plus strand). Cytogenetic location: 16q24.1.
Variant type: single nucleotide variant.
Coding change: c.1070A>T on transcript NM_001451.3 (MANE Select); coding-DNA position 1070, A replaced by T.
Protein change: p.His357Leu; replaces histidine 357 with leucine.
Molecular consequence: missense variant.
Genome position (GRCh38, 1-based): chr16:86,513,015, A>T. VCF-style: chr16-86513015-A-T. GRCh37 (hg19) VCF-style: chr16-86546621-A-T.
Other names: c.1070A>T (NM_001451.2); short protein forms H357L.
Identifiers: ClinVar variation 1709511 (VCV001709511.4), dbSNP rs1969592363, ClinGen allele CA397010518.

ClinVar aggregate classification (germline): Uncertain significance. Review status: criteria provided, multiple submitters, no conflicts (2 of 4 stars). 2 submissions from 2 submitters: Uncertain significance (2). Last evaluated 2025-01-31.

Conditions:
Alveolar capillary dysplasia with pulmonary venous misalignment. Also called: Alveolar capillary dysplasia with misalignment of pulmonary veins; ALVEOLAR CAPILLARY DYSPLASIA WITH MISALIGNMENT OF PULMONARY VEINS AND OTHER CONGENITAL ANOMALIES; Congenital alveolar capillary dysplasia. Identifiers: Orphanet 210122, MedGen C2960310, MONDO:0009934, OMIM 265380.

gnomAD v4.1: 2 of 1,613,812 alleles (0.00012%); highest among the groups gnomAD compares: Non-Finnish European, 0.00017%; no homozygotes.

Submissions (2):

GeneDx
Classification: Uncertain significance. Last evaluated: 2025-01-31. Review status: criteria provided, single submitter. Criteria: GeneDx Variant Classification Process June 2021. Collection method: clinical testing. Allele origin: germline. Affected: yes.
Comment: Not observed at significant frequency in large population cohorts (gnomAD); In silico analysis supports that this missense variant has a deleterious effect on protein structure/function; Has not been previously published as pathogenic or benign to our knowledge

MGZ Medical Genetics Center
Classification: Uncertain significance for Alveolar capillary dysplasia with pulmonary venous misalignment. Last evaluated: 2024-01-19. Review status: criteria provided, single submitter. Criteria: ACMG Guidelines, 2015. Collection method: clinical testing. Allele origin: paternal. Affected: yes. Observed: 1 variant allele.
Comment: ACMG criteria applied: PP3_MOD, PM2_SUP